The following is an entry in ClinVar:

ClinVar aggregate classification (germline): Uncertain significance (1 of 4 stars; one submission).

Conditions:
Hyperphosphatasia with impaired intellectual development syndrome 2. Also called: GLYCOSYLPHOSPHATIDYLINOSITOL BIOSYNTHESIS DEFECT 6; Hyperphosphatasia with intellectual disability syndrome 2. Identifiers: Orphanet 247262, MedGen C3553637, MONDO:0013882, OMIM 614749.

Submission:

Labcorp Genetics (formerly Invitae), Labcorp
Classification: Uncertain significance for Hyperphosphatasia with impaired intellectual development syndrome 2. Last evaluated: 2025-11-02. Review status: criteria provided, single submitter. Criteria: Invitae Variant Classification Sherloc (09022015). Collection method: clinical testing. Allele origin: germline.
Comment: This sequence change replaces phenylalanine, which is neutral and non-polar, with tyrosine, which is neutral and polar, at codon 195 of the PIGO protein (p.Phe195Tyr). This variant is not present in population databases (gnomAD no frequency). This variant has not been reported in the literature in individuals affected with PIGO-related conditions. Invitae Evidence Modeling of protein sequence and biophysical properties (such as structural, functional, and spatial information, amino acid conservation, physicochemical variation, residue mobility, and thermodynamic stability) has been performed for this missense variant. However, the output from this modeling did not meet the statistical confidence thresholds required to predict the impact of this variant on PIGO protein function. In summary, the available evidence is currently insufficient to determine the role of this variant in disease. Therefore, it has been classified as a Variant of Uncertain Significance.

NM_032634.4(PIGO):c.584T>A (p.Phe195Tyr)

Gene: PIGO (phosphatidylinositol glycan anchor biosynthesis class O; minus strand). Cytogenetic location: 9p13.3.
Variant type: single nucleotide variant.
Coding change: c.584T>A on transcript NM_032634.4 (MANE Select); coding-DNA position 584, T replaced by A.
Protein change: p.Phe195Tyr; replaces phenylalanine 195 with tyrosine.
Molecular consequence: missense variant.
Genome position (GRCh38, 1-based): chr9:35,094,287, A>T on the plus strand (T>A on the coding strand, the complement: PIGO is on the minus strand). VCF-style: chr9-35094287-A-T. GRCh37 (hg19) VCF-style: chr9-35094284-A-T.
Other names: c.584T>A, p.Phe195Tyr (NM_001201484.2, NM_152850.4); short protein forms F195Y.
Identifiers: ClinVar variation 4747546 (VCV004747546.1).